The following is an entry in ClinVar:

ClinVar aggregate classification (germline): Likely benign (1 of 4 stars; one submission).

gnomAD v4.1: 57 of 1,531,180 alleles (0.0037%); highest among the groups gnomAD compares: African/African-American, 0.011%; 1 homozygote.

Submission:

CeGaT Center for Human Genetics Tuebingen
Classification: Likely benign. Last evaluated: 2026-07-01. Review status: criteria provided, single submitter. Criteria: CeGaT Center For Human Genetics Tuebingen Variant Classification Criteria Version 2. Collection method: clinical testing. Allele origin: germline. Affected: yes. Observed: 1 variant allele.
Comment: PLXNB2: BP4, BP7

NM_012401.4(PLXNB2):c.1743C>T (p.Pro581=)

Gene: PLXNB2 (plexin B2; minus strand). Cytogenetic location: 22q13.33.
Variant type: single nucleotide variant.
Coding change: c.1743C>T on transcript NM_012401.4 (MANE Select); coding-DNA position 1743, C replaced by T.
Protein change: p.Pro581=; no amino-acid change (proline 581 retained).
Molecular consequence: synonymous variant.
Genome position (GRCh38, 1-based): chr22:50,287,130, G>A on the plus strand (C>T on the coding strand, the complement: PLXNB2 is on the minus strand). VCF-style: chr22-50287130-G-A. GRCh37 (hg19) VCF-style: chr22-50725559-G-A.
Other names: c.1743C>T, p.Pro581= (NM_001376864.1, NM_001376865.1, NM_001376866.1 and 20 more transcripts).
Identifiers: ClinVar variation 5039227 (VCV005039227.1).